The following is an entry in ClinVar:

ClinVar aggregate classification (germline): Uncertain significance (1 of 4 stars; one submission).

Allele frequency attached by ClinVar (database versions not stated): gnomAD 0.00001 and 0.00004; TOPMed 0.00002; gnomAD exomes 0.00003 and 0.00004; ExAC 0.00007; 1000 Genomes Project 30x 0.00094; 1000 Genomes Project 0.00100.
gnomAD v4.1: 44 of 1,614,020 alleles (0.0027%); highest among the groups gnomAD compares: Admixed American, 0.033%; no homozygotes.

Submission:

Labcorp Genetics (formerly Invitae), Labcorp
Classification: Uncertain significance. Last evaluated: 2022-03-14. Review status: criteria provided, single submitter. Criteria: Invitae Variant Classification Sherloc (09022015). Collection method: clinical testing. Allele origin: germline.
Comment: Algorithms developed to predict the effect of missense changes on protein structure and function (SIFT, PolyPhen-2, Align-GVGD) all suggest that this variant is likely to be disruptive. In summary, the available evidence is currently insufficient to determine the role of this variant in disease. Therefore, it has been classified as a Variant of Uncertain Significance. This variant has not been reported in the literature in individuals affected with PCK1-related conditions. This variant is present in population databases (rs569350822, gnomAD 0.02%). This sequence change replaces isoleucine, which is neutral and non-polar, with threonine, which is neutral and polar, at codon 416 of the PCK1 protein (p.Ile416Thr).

NM_002591.4(PCK1):c.1247T>C (p.Ile416Thr)

Gene: PCK1 (phosphoenolpyruvate carboxykinase 1; plus strand). Cytogenetic location: 20q13.31.
Variant type: single nucleotide variant.
Coding change: c.1247T>C on transcript NM_002591.4 (MANE Select); coding-DNA position 1247, T replaced by C.
Protein change: p.Ile416Thr; replaces isoleucine 416 with threonine.
Molecular consequence: missense variant.
Genome position (GRCh38, 1-based): chr20:57,564,542, T>C. VCF-style: chr20-57564542-T-C. GRCh37 (hg19) VCF-style: chr20-56139598-T-C.
Other names: short protein forms I416T.
Identifiers: ClinVar variation 1513845 (VCV001513845.6), dbSNP rs569350822, ClinGen allele CA9922332.
Genomic context (GRCh38, chr20:57,564,542, plus strand): 5'-GGGAACCTTGTGCCCACCCCAACTCGAGGTTCTGCACCCCTGCCAGCCAGTGCCCCATCA[T>C]TGATGCTGCCTGGGAGTCTCCGGAAGGTGTTCCCATTGAAGGCATTATCTTTGGAGGCCG-3'
Protein context (NP_002582.3, residues 406-426): FCTPASQCPI[Ile416Thr]DAAWESPEGV